The following is an entry in ClinVar:

NM_019098.5(CNGB3):c.1216A>T (p.Ile406Phe)

Gene: CNGB3 (cyclic nucleotide gated channel subunit beta 3; minus strand). Cytogenetic location: 8q21.3.
Variant type: single nucleotide variant.
Coding change: c.1216A>T on transcript NM_019098.5 (MANE Select); coding-DNA position 1216, A replaced by T.
Protein change: p.Ile406Phe; replaces isoleucine 406 with phenylalanine.
Molecular consequence: missense variant.
Genome position (GRCh38, 1-based): chr8:86,632,856, T>A on the plus strand (A>T on the coding strand, the complement: CNGB3 is on the minus strand). VCF-style: chr8-86632856-T-A. GRCh37 (hg19) VCF-style: chr8-87645084-T-A.
Other names: short protein forms I406F.
Identifiers: ClinVar variation 1469185 (VCV001469185.3), dbSNP rs756383300, ClinGen allele CA371444417.
Genomic context (GRCh38, chr8:86,632,856, plus strand): 5'-TCAAGAGTTGAAAAACAATTTCAAATAAAGTTTGTGGTTCTGGAAGGCCACCAATGGTAA[T>A]TAAAGTTCGAACTGCCCAATAATAACATCTCAGATACCTGTGAAAACAGAAGATATACAT-3'
Protein context (NP_061971.3, residues 396-416): RCYYWAVRTL[Ile406Phe]TIGGLPEPQT

ClinVar aggregate classification (germline): Uncertain significance (1 of 4 stars; one submission).

Submission:

Labcorp Genetics (formerly Invitae), Labcorp
Classification: Uncertain significance. Last evaluated: 2022-09-06. Review status: criteria provided, single submitter. Criteria: Invitae Variant Classification Sherloc (09022015). Collection method: clinical testing. Allele origin: germline.
Comment: This sequence change replaces isoleucine, which is neutral and non-polar, with phenylalanine, which is neutral and non-polar, at codon 406 of the CNGB3 protein (p.Ile406Phe). This variant is not present in population databases (gnomAD no frequency). This variant has not been reported in the literature in individuals affected with CNGB3-related conditions. ClinVar contains an entry for this variant (Variation ID: 1469185). Advanced modeling of protein sequence and biophysical properties (such as structural, functional, and spatial information, amino acid conservation, physicochemical variation, residue mobility, and thermodynamic stability) performed at Invitae indicates that this missense variant is expected to disrupt CNGB3 protein function. In summary, the available evidence is currently insufficient to determine the role of this variant in disease. Therefore, it has been classified as a Variant of Uncertain Significance.